The following is an entry in ClinVar:

NM_024675.4(PALB2):c.1153G>A (p.Ala385Thr)

Gene: PALB2 (partner and localizer of BRCA2; minus strand). Cytogenetic location: 16p12.2.
Variant type: single nucleotide variant.
Coding change: c.1153G>A on transcript NM_024675.4 (MANE Select); coding-DNA position 1153, G replaced by A.
Protein change: p.Ala385Thr; replaces alanine 385 with threonine.
Molecular consequence: missense variant.
Genome position (GRCh38, 1-based): chr16:23,635,393, C>T on the plus strand (G>A on the coding strand, the complement: PALB2 is on the minus strand). VCF-style: chr16-23635393-C-T. GRCh37 (hg19) VCF-style: chr16-23646714-C-T.
Other names: short protein forms A385T.
Identifiers: ClinVar variation 848519 (VCV000848519.11), dbSNP rs1966990156, ClinGen allele CA395133530.

ClinVar aggregate classification (germline): Uncertain significance. Review status: criteria provided, multiple submitters, no conflicts (2 of 4 stars). 2 submissions from 2 submitters: Uncertain significance (2). Last evaluated 2024-07-03.

Conditions:
Hereditary cancer-predisposing syndrome. Also called: Tumor predisposition; Neoplastic Syndromes, Hereditary; Hereditary neoplastic syndrome; Hereditary Cancer Syndrome. Identifiers: Orphanet 140162, MedGen C0027672, MeSH D009386, MONDO:0015356.
Familial cancer of breast. Also called: BREAST CANCER, FAMILIAL; Hereditary breast cancer; hereditary breast carcinoma. Identifiers: Orphanet 227535, MedGen C0346153, MONDO:0016419, OMIM 114480. Disease mechanism: loss of function.

Allele frequency attached by ClinVar (database versions not stated): gnomAD exomes below 0.00001.
gnomAD v4.1: 1 of 1,614,084 alleles (0.000062%); highest among the groups gnomAD compares: Non-Finnish European, 0.000085%; no homozygotes.

Submissions (2):

Ambry Genetics
Classification: Uncertain significance for Hereditary cancer-predisposing syndrome. Last evaluated: 2024-07-03. Review status: criteria provided, single submitter. Criteria: Ambry Variant Classification Scheme 2023. Collection method: clinical testing. Allele origin: germline.
Comment: The p.A385T variant (also known as c.1153G>A), located in coding exon 4 of the PALB2 gene, results from a G to A substitution at nucleotide position 1153. The alanine at codon 385 is replaced by threonine, an amino acid with similar properties. This amino acid position is conserved. In addition, this alteration is predicted to be tolerated by in silico analysis. Based on the available evidence, the clinical significance of this variant remains unclear.

Labcorp Genetics (formerly Invitae), Labcorp
Classification: Uncertain significance for Familial cancer of breast. Last evaluated: 2020-09-12. Review status: criteria provided, single submitter. Criteria: Invitae Variant Classification Sherloc (09022015). Collection method: clinical testing. Allele origin: germline.
Comment: In summary, the available evidence is currently insufficient to determine the role of this variant in disease. Therefore, it has been classified as a Variant of Uncertain Significance. Algorithms developed to predict the effect of missense changes on protein structure and function output the following: SIFT: "Tolerated"; PolyPhen-2: "Benign"; Align-GVGD: "Class C0". The threonine amino acid residue is found in multiple mammalian species, suggesting that this missense change does not adversely affect protein function. These predictions have not been confirmed by published functional studies and their clinical significance is uncertain. This variant has not been reported in the literature in individuals with PALB2-related conditions. This sequence change replaces alanine with threonine at codon 385 of the PALB2 protein (p.Ala385Thr). The alanine residue is moderately conserved and there is a small physicochemical difference between alanine and threonine. This variant is not present in population databases (ExAC no frequency).